The following is an entry in ClinVar:

ClinVar aggregate classification (germline): Uncertain significance (1 of 4 stars; one submission).

Conditions:
PLXNA1-related disorder. Also called: PLXNA1-related condition.

Submission:

PreventionGenetics, part of Exact Sciences
Classification: Uncertain significance for PLXNA1-related condition. Last evaluated: 2024-11-07. Review status: criteria provided, single submitter. Criteria: ACMG Guidelines, 2015. Collection method: clinical testing. Allele origin: germline.
Comment: The PLXNA1 c.5573A>G variant is predicted to result in the amino acid substitution p.Tyr1858Cys. To our knowledge, this variant has not been reported in the literature. This variant is reported in 0.00091% of alleles in individuals of European (Non-Finnish) descent in gnomAD. At this time, the clinical significance of this variant is uncertain due to the absence of conclusive functional and genetic evidence.

NM_032242.4(PLXNA1):c.5573A>G (p.Tyr1858Cys)

Gene: PLXNA1 (plexin A1; plus strand). Cytogenetic location: 3q21.3.
Variant type: single nucleotide variant.
Coding change: c.5573A>G on transcript NM_032242.4 (MANE Select); coding-DNA position 5573, A replaced by G.
Protein change: p.Tyr1858Cys; replaces tyrosine 1858 with cysteine.
Molecular consequence: missense variant.
Genome position (GRCh38, 1-based): chr3:127,032,814, A>G. VCF-style: chr3-127032814-A-G. GRCh37 (hg19) VCF-style: chr3-126751657-A-G.
Other names: short protein forms Y1858C.
Identifiers: ClinVar variation 4997887 (VCV004997887.1).